The following is an entry in ClinVar:

NM_004924.6(ACTN4):c.2316G>A (p.Ala772=)

Gene: ACTN4 (actinin alpha 4; plus strand). Cytogenetic location: 19q13.2.
Variant type: single nucleotide variant.
Coding change: c.2316G>A on transcript NM_004924.6 (MANE Select); coding-DNA position 2316, G replaced by A.
Protein change: p.Ala772=; no amino-acid change (alanine 772 retained).
Molecular consequence: synonymous variant.
Genome position (GRCh38, 1-based): chr19:38,727,082, G>A. VCF-style: chr19-38727082-G-A. GRCh37 (hg19) VCF-style: chr19-39217722-G-A.
Other names: p.Ala772=; c.2316G>A, p.Ala772= (NM_001322033.2).
Identifiers: ClinVar variation 259573 (VCV000259573.14), dbSNP rs192382222, ClinGen allele CA9417943.

ClinVar aggregate classification (germline): Benign/Likely benign. Review status: criteria provided, multiple submitters, no conflicts (2 of 4 stars). 6 submissions from 6 submitters: Benign (2); Likely benign (4). Last evaluated 2025-10-08.

Conditions:
Focal segmental glomerulosclerosis 1 (FSGS1). Identifiers: Orphanet 656, MedGen C4551527, MONDO:0011303, OMIM 603278.

Allele frequency attached by ClinVar (database versions not stated): ESP Exome Variant Server 0.00008; gnomAD exomes 0.00013; gnomAD 0.00048 and 0.00052; TOPMed 0.00055; 1000 Genomes Project 30x 0.00109; 1000 Genomes Project 0.00120.
gnomAD v4.1: 189 of 1,614,056 alleles (0.012%); highest among the groups gnomAD compares: African/African-American, 0.19%; no homozygotes.

Submissions (6):

Mayo Clinic Laboratories, Mayo Clinic
Classification: Likely benign. Last evaluated: 2025-10-08. Review status: criteria provided, single submitter. Criteria: ACMG Guidelines, 2015. Collection method: clinical testing. Allele origin: germline. Observed: 1 variant allele.
Comment: BS1, BP4, BP7

Labcorp Genetics (formerly Invitae), Labcorp
Classification: Benign. Last evaluated: 2025-06-12. Review status: criteria provided, single submitter. Criteria: Invitae Variant Classification Sherloc (09022015). Collection method: clinical testing. Allele origin: germline.

Blueprint Genetics
Classification: Likely benign. Last evaluated: 2024-09-12. Review status: criteria provided, single submitter. Criteria: ACMG Guidelines, 2015. Collection method: clinical testing. Allele origin: germline.

Fulgent Genetics
Classification: Likely benign for Focal segmental glomerulosclerosis 1. Last evaluated: 2021-12-26. Review status: criteria provided, single submitter. Criteria: ACMG Guidelines, 2015. Collection method: clinical testing. Allele origin: unknown.

Genome-Nilou Lab
Classification: Benign for Focal segmental glomerulosclerosis 1. Last evaluated: 2021-12-05. Review status: criteria provided, single submitter. Criteria: ACMG Guidelines, 2015. Collection method: clinical testing. Allele origin: germline. Affected: no.

PreventionGenetics, part of Exact Sciences
Classification: Likely benign. Review status: criteria provided, single submitter. Criteria: ACMG Guidelines, 2015. Collection method: clinical testing. Allele origin: germline.